The following is an entry in ClinVar:

ClinVar aggregate classification (germline): Likely benign (0 of 4 stars; one submission).

Conditions:
FAT1-related disorder. Also called: FAT1-related condition.

Allele frequency attached by ClinVar (database versions not stated): gnomAD 0.00001; TOPMed 0.00001; gnomAD exomes 0.00003.
gnomAD v4.1: 40 of 1,613,864 alleles (0.0025%); highest among the groups gnomAD compares: East Asian, 0.0045%; no homozygotes.

Submission:

PreventionGenetics, part of Exact Sciences
Classification: Likely benign for FAT1-related condition. Last evaluated: 2023-01-12. Review status: no assertion criteria provided. Collection method: clinical testing. Allele origin: germline.
Comment: This variant is classified as likely benign based on ACMG/AMP sequence variant interpretation guidelines (Richards et al. 2015 PMID: 25741868, with internal and published modifications).

NM_005245.4(FAT1):c.7803C>T (p.Tyr2601=)

Gene: FAT1 (FAT atypical cadherin 1; minus strand). Cytogenetic location: 4q35.2.
Variant type: single nucleotide variant.
Coding change: c.7803C>T on transcript NM_005245.4 (MANE Select); coding-DNA position 7803, C replaced by T.
Protein change: p.Tyr2601=; no amino-acid change (tyrosine 2601 retained).
Molecular consequence: synonymous variant.
Genome position (GRCh38, 1-based): chr4:186,618,783, G>A on the plus strand (C>T on the coding strand, the complement: FAT1 is on the minus strand). VCF-style: chr4-186618783-G-A. GRCh37 (hg19) VCF-style: chr4-187539937-G-A.
Identifiers: ClinVar variation 3030396 (VCV003030396.2), dbSNP rs1194518319, ClinGen allele CA442892909.
Genomic context (GRCh38, chr4:186,618,783, plus strand): 5'-ACTTGCAAGAACTTTAACGACTGAAGTCCCTTTAGCAGCACTGGACCCGATATTCACTTC[G>A]TATTTGGTTGCTCGAAATTGTGGTGCATTGTCATTGTCATCTGTAAGGATGACATTCACG-3'
Protein context (NP_005236.2, residues 2591-2611): DNAPQFRATK[Tyr2601=]EVNIGSSAAK